The following is an entry in ClinVar:

NM_001142784.3(IL11RA):c.281G>A (p.Cys94Tyr)

Gene: IL11RA (interleukin 11 receptor subunit alpha; plus strand). Cytogenetic location: 9p13.3.
Variant type: single nucleotide variant.
Coding change: c.281G>A on transcript NM_001142784.3 (MANE Select); coding-DNA position 281, G replaced by A.
Protein change: p.Cys94Tyr; replaces cysteine 94 with tyrosine.
Molecular consequence: missense variant. On other transcripts: non-coding transcript variant (1).
Genome position (GRCh38, 1-based): chr9:34,656,858, G>A. VCF-style: chr9-34656858-G-A. GRCh37 (hg19) VCF-style: chr9-34656855-G-A.
Other names: short protein forms C94Y.
Identifiers: ClinVar variation 2578256 (VCV002578256.1), dbSNP rs369630361, ClinGen allele CA373287229.
Genomic context (GRCh38, chr9:34,656,858, plus strand): 5'-GGCTAGGGCATGAACTGGTCCTGGCCCAGGCAGACAGCACTGATGAGGGCACCTACATCT[G>A]CCAGACCCTGGATGGTGCACTTGGGGGCACAGTGACCCTGCAGCTGGGCTGTGAGTTGGG-3'
Protein context (NP_001136256.1, residues 84-104): ADSTDEGTYI[Cys94Tyr]QTLDGALGGT

ClinVar aggregate classification (germline): Uncertain significance (1 of 4 stars; one submission).

gnomAD v4.1: 2 of 1,614,040 alleles (0.00012%); highest among the groups gnomAD compares: Non-Finnish European, 0.00017%; no homozygotes.

Submission:

GeneDx
Classification: Uncertain significance. Last evaluated: 2023-08-24. Review status: criteria provided, single submitter. Criteria: GeneDx Variant Classification Process June 2021. Collection method: clinical testing. Allele origin: germline. Affected: yes.
Comment: Not observed in large population cohorts (gnomAD); In silico analysis supports that this missense variant has a deleterious effect on protein structure/function; Has not been previously published as pathogenic or benign to our knowledge.